The following is an entry in ClinVar:

ClinVar aggregate classification (germline): Conflicting classifications of pathogenicity. Review status: criteria provided, conflicting classifications (1 of 4 stars). 8 submissions from 7 submitters: Uncertain significance (3); Benign (1); Likely benign (4). Last evaluated 2026-06-16.

Conditions:
Inborn genetic diseases. Identifiers: MedGen C0950123, MeSH D030342.
USH2A-related disorder. Also called: USH2A-related disorders; USH2A-related condition. Identifiers: MedGen CN239332.
Retinitis pigmentosa 39 (RP39). Identifiers: Orphanet 791, MedGen C3151138, MONDO:0013436, OMIM 613809.
Usher syndrome type 2A. Also called: RETINAL DISEASE IN USHER SYNDROME TYPE IIA, MODIFIER OF; USHER SYNDROME, TYPE IIA. Identifiers: Orphanet 231178, Orphanet 886, MedGen C1848634, MONDO:0010169, OMIM 276901.

Allele frequency attached by ClinVar (database versions not stated): ESP Exome Variant Server 0.00008; gnomAD exomes 0.00014 and 0.00029; TOPMed 0.00014; gnomAD 0.00017 and 0.00021; ExAC 0.00019.
gnomAD v4.1: 450 of 1,613,702 alleles (0.028%); highest among the groups gnomAD compares: Non-Finnish European, 0.035%; no homozygotes.

Submissions (8):

PreventionGenetics, part of Exact Sciences
Classification: Uncertain significance for USH2A-related condition. Last evaluated: 2026-06-16. Review status: criteria provided, single submitter. Criteria: ACMG Guidelines, 2015. Collection method: clinical testing. Allele origin: germline.
Comment: The USH2A c.4532C>T variant is predicted to result in the amino acid substitution p.Ala1511Val. To our knowledge, this variant has not been reported in the literature. This variant is reported in 0.026% of alleles in individuals of European (Non-Finnish) descent in gnomAD. At this time, the clinical significance of this variant is uncertain due to the absence of conclusive functional and genetic evidence.

Labcorp Genetics (formerly Invitae), Labcorp
Classification: Likely benign. Last evaluated: 2026-01-21. Review status: criteria provided, single submitter. Criteria: Invitae Variant Classification Sherloc (09022015). Collection method: clinical testing. Allele origin: germline.

Ambry Genetics
Classification: Uncertain significance for Inborn genetic diseases. Last evaluated: 2024-08-10. Review status: criteria provided, single submitter. Criteria: Ambry Variant Classification Scheme 2023. Collection method: clinical testing. Allele origin: germline.

Blueprint Genetics
Classification: Uncertain significance. Last evaluated: 2024-05-13. Review status: criteria provided, single submitter. Criteria: ACMG Guidelines, 2015. Collection method: clinical testing. Allele origin: germline.

Genome-Nilou Lab
Classification: Likely benign for Retinitis pigmentosa 39. Last evaluated: 2023-11-04. Review status: criteria provided, single submitter. Criteria: ACMG Guidelines, 2015. Collection method: clinical testing. Allele origin: germline. Affected: no.

Genome-Nilou Lab
Classification: Likely benign for Usher syndrome type 2A. Last evaluated: 2023-11-04. Review status: criteria provided, single submitter. Criteria: ACMG Guidelines, 2015. Collection method: clinical testing. Allele origin: germline. Affected: no.

GeneDx
Classification: Benign. Last evaluated: 2015-03-03. Review status: criteria provided, single submitter. Criteria: GeneDx Variant Classification Process June 2021. Collection method: clinical testing. Allele origin: germline. Affected: yes.

Laboratory for Molecular Medicine, Mass General Brigham Personalized Medicine
Classification: Likely benign. Last evaluated: 2014-08-11. Review status: criteria provided, single submitter. Criteria: LMM Criteria. Collection method: clinical testing. Allele origin: germline. Observed: 2 variant alleles.
Comment: Ala1511Val in Exon 21A of USH2A: This variant is not expected to have clinical s ignificance because the alanine (Ala) residue at position 1511 is poorly conserv ed across species, with two mammals (prairie vole and wallaby) having a valine ( Val) at this position, and computational tools (biochemical amino acid propertie s, conservation, AlignGVGD, PolyPhen2, and SIFT) do not suggest an impact to the protein. The Ala1511Val variant has been identified in 1/8600 European American chromosomes by the NHLBI Exome Sequencing Project (dbSNP rs201710470).

NM_206933.4(USH2A):c.4532C>T (p.Ala1511Val)

Gene: USH2A (usherin; minus strand). Cytogenetic location: 1q41.
Variant type: single nucleotide variant.
Coding change: c.4532C>T on transcript NM_206933.4 (MANE Select); coding-DNA position 4532, C replaced by T.
Protein change: p.Ala1511Val; replaces alanine 1511 with valine.
Molecular consequence: missense variant.
Genome position (GRCh38, 1-based): chr1:216,175,347, G>A on the plus strand (C>T on the coding strand, the complement: USH2A is on the minus strand). VCF-style: chr1-216175347-G-A. GRCh37 (hg19) VCF-style: chr1-216348689-G-A.
Other names: c.4532C>T, p.Ala1511Val (NM_007123.6); short protein forms A1511V.
Identifiers: ClinVar variation 48517 (VCV000048517.20), dbSNP rs201710470, ClinGen allele CA143485.